The following is an entry in ClinVar:

NM_001164760.2(PRKAR1B):c.1028G>A (p.Gly343Glu)

Gene: PRKAR1B (protein kinase cAMP-dependent type I regulatory subunit beta; minus strand). Cytogenetic location: 7p22.3.
Variant type: single nucleotide variant.
Coding change: c.1028G>A on transcript NM_001164760.2 (MANE Select); coding-DNA position 1028, G replaced by A.
Protein change: p.Gly343Glu; replaces glycine 343 with glutamic acid.
Molecular consequence: missense variant.
Genome position (GRCh38, 1-based): chr7:550,548, C>T on the plus strand (G>A on the coding strand, the complement: PRKAR1B is on the minus strand). VCF-style: chr7-550548-C-T. GRCh37 (hg19) VCF-style: chr7-590185-C-T.
Other names: c.1028G>A, p.Gly343Glu (NM_001164758.2, NM_001164759.1, NM_001164761.2 and 2 more transcripts); short protein forms G343E.
Identifiers: ClinVar variation 4986536 (VCV004986536.1).

ClinVar aggregate classification (germline): Uncertain significance (1 of 4 stars; one submission).

Conditions:
PRKAR1B-related disorder. Also called: PRKAR1B-related condition.

gnomAD v4.1: 7 of 1,604,704 alleles (0.00044%); highest among the groups gnomAD compares: African/African-American, 0.008%; no homozygotes.

Submission:

PreventionGenetics, part of Exact Sciences
Classification: Uncertain significance for PRKAR1B-related condition. Last evaluated: 2025-07-17. Review status: criteria provided, single submitter. Criteria: ACMG Guidelines, 2015. Collection method: clinical testing. Allele origin: germline.
Comment: The PRKAR1B c.1028G>A variant is predicted to result in the amino acid substitution p.Gly343Glu. To our knowledge, this variant has not been reported in association with neurodegeneration; however, it was reported in individuals with autism spectrum disorder (Supplementary Table 20, Fu et al. 2022. PubMed ID: 35982160; Supplementary Data 1, Zhou et al. 2022. PubMed ID: 35982159). This variant is reported in 0.0070% of alleles in individuals of African descent in gnomAD. At this time, the clinical significance of this variant is uncertain due to the absence of conclusive functional and genetic evidence.